The following is an entry in ClinVar:

NM_007294.4(BRCA1):c.5332+23G>C

Gene: BRCA1 (BRCA1 DNA repair associated; minus strand). Cytogenetic location: 17q21.31.
Variant type: single nucleotide variant.
Coding change: c.5332+23G>C on transcript NM_007294.4 (MANE Select); 23 bases into the intron after coding-DNA position 5332, G replaced by C.
Molecular consequence: intron variant.
Genome position (GRCh38, 1-based): chr17:43,051,040, C>G on the plus strand (G>C on the coding strand, the complement: BRCA1 is on the minus strand). VCF-style: chr17-43051040-C-G. GRCh37 (hg19) VCF-style: chr17-41203057-C-G.
Other names: c.5122+23G>C (NM_001407884.1, NM_001407879.1, NM_001407882.1 and 5 more transcripts); c.5320+23G>C (NM_001407646.1); c.1894+23G>C (NM_001408445.1, NM_001408450.1, NM_001408447.1 and 2 more transcripts); c.1897+23G>C (NM_001408432.1, NM_001408443.1, NM_001408439.1 and 10 more transcripts); c.5203+23G>C (NM_001407689.1, NM_001407681.1, NM_001407687.1 and 6 more transcripts); c.5206+23G>C (NM_001407670.1, NM_001407675.1, NM_001407680.1 and 10 more transcripts); c.1900+23G>C (NM_001408431.1, NM_001408425.1, NM_001408428.1 and 4 more transcripts); c.1903+23G>C (NM_001408424.1, NM_001408422.1, NM_001408423.1 and 1 more transcripts); and 74 more.
Identifiers: ClinVar variation 868332 (VCV000868332.3), dbSNP rs2051190177, ClinGen allele CA916080947.
Genomic context (GRCh38, chr17:43,051,040, plus strand): 5'-CCATCGTGGGATCTTGCTTATAATACTCCACTATGTAAGACAAAGGCTGGTGCTGGAACT[C>G]TGGGGTTCTCCCAGGCTCTTACCTGTGGGCATGTTGGTGAAGGGCCCATAGCAACAGATT-3'

Conditions:
Breast-ovarian cancer, familial, susceptibility to, 1 (BROVCA1). Also called: BRCA1 Hereditary Breast and Ovarian Cancer; OVARIAN CANCER, SUSCEPTIBILITY TO. Identifiers: Orphanet 145, MedGen C2676676, MONDO:0011450, OMIM 604370. Disease mechanism: loss of function.

gnomAD v4.1: 1 of 1,610,448 alleles (0.000062%); highest among the groups gnomAD compares: South Asian, 0.0011%; no homozygotes.

Submission:

Brotman Baty Institute, University of Washington
No classification provided (evidence only). Condition: Breast-ovarian cancer, familial 1. Review status: no classification provided. Collection method: in vitro. Allele origin: not applicable. Functional consequence: functionally_normal.
ClinVar note: "not provided" was previously submitted as the classification for the variant. However, the classification appeared to be based only on an observation of functional data so it was converted to no classification on 2025-07-30.